The following is an entry in ClinVar:

ClinVar aggregate classification (germline): Uncertain significance (1 of 4 stars; one submission).

Conditions:
Inborn genetic diseases. Identifiers: MedGen C0950123, MeSH D030342.

gnomAD v4.1: 1 of 1,614,080 alleles (0.000062%); highest among the groups gnomAD compares: Non-Finnish European, 0.000085%; no homozygotes.

Submission:

Ambry Genetics
Classification: Uncertain significance for Inborn genetic diseases. Last evaluated: 2026-01-03. Review status: criteria provided, single submitter. Criteria: Ambry Variant Classification Scheme 2023. Collection method: clinical testing. Allele origin: germline.
Comment: The p.L702V variant (also known as c.2104C>G), located in coding exon 13 of the ASXL1 gene, results from a C to G substitution at nucleotide position 2104. The leucine at codon 702 is replaced by valine, an amino acid with highly similar properties. This amino acid position is conserved. In addition, this alteration is predicted to be tolerated by in silico analysis. Based on the available evidence, the clinical significance of this variant remains unclear.

NM_015338.6(ASXL1):c.2104C>G (p.Leu702Val)

Gene: ASXL1 (ASXL transcriptional regulator 1; plus strand). Cytogenetic location: 20q11.21.
Variant type: single nucleotide variant.
Coding change: c.2104C>G on transcript NM_015338.6 (MANE Select); coding-DNA position 2104, C replaced by G.
Protein change: p.Leu702Val; replaces leucine 702 with valine.
Molecular consequence: missense variant.
Genome position (GRCh38, 1-based): chr20:32,434,816, C>G. VCF-style: chr20-32434816-C-G. GRCh37 (hg19) VCF-style: chr20-31022619-C-G.
Other names: c.1921C>G, p.Leu641Val (NM_001363734.1); short protein forms L641V, L702V.
Identifiers: ClinVar variation 4843662 (VCV004843662.1).